The following is an entry in ClinVar:

ClinVar aggregate classification (germline): Uncertain significance. Review status: criteria provided, multiple submitters, no conflicts (2 of 4 stars). 3 submissions from 3 submitters: Uncertain significance (3). Last evaluated 2024-10-03.

Conditions:
Ataxia-telangiectasia-like disorder 1 (ATLD1). Identifiers: Orphanet 251347, MedGen C4012790, MONDO:0024557, OMIM 604391.
Ataxia-telangiectasia-like disorder (ATLD). Identifiers: MedGen C1858391, MONDO:0011457.

Allele frequency attached by ClinVar (database versions not stated): TOPMed 0.00005; ESP Exome Variant Server 0.00015; gnomAD 0.00002; gnomAD exomes 0.00002; ExAC 0.00003.
gnomAD v4.1: 25 of 1,511,812 alleles (0.0017%); highest among the groups gnomAD compares: Admixed American, 0.0033%; no homozygotes.

Submissions (3):

Labcorp Genetics (formerly Invitae), Labcorp
Classification: Uncertain significance for Ataxia-telangiectasia-like disorder. Last evaluated: 2024-10-03. Review status: criteria provided, single submitter. Criteria: Invitae Variant Classification Sherloc (09022015). Collection method: clinical testing. Allele origin: germline.
Comment: This sequence change falls in intron 6 of the MRE11 gene. It does not directly change the encoded amino acid sequence of the MRE11 protein. This variant is present in population databases (rs370306271, gnomAD 0.006%). This variant has not been reported in the literature in individuals affected with MRE11-related conditions. ClinVar contains an entry for this variant (Variation ID: 306494). Algorithms developed to predict the effect of sequence changes on RNA splicing suggest that this variant may disrupt the consensus splice site. In summary, the available evidence is currently insufficient to determine the role of this variant in disease. Therefore, it has been classified as a Variant of Uncertain Significance.

Baylor Genetics
Classification: Uncertain significance for Ataxia-telangiectasia-like disorder 1. Last evaluated: 2023-08-15. Review status: criteria provided, single submitter. Criteria: ACMG Guidelines, 2015. Collection method: clinical testing. Allele origin: unknown.

Illumina Laboratory Services, Illumina
Classification: Uncertain significance for Ataxia-telangiectasia-like disorder 1. Last evaluated: 2018-01-13. Review status: criteria provided, single submitter. Criteria: ICSL Variant Classification Criteria 13 December 2019. Collection method: clinical testing. Allele origin: germline.

NM_005591.4(MRE11):c.545-13A>G

Gene: MRE11 (MRE11 homolog, double strand break repair nuclease; minus strand). Cytogenetic location: 11q21.
Variant type: single nucleotide variant.
Coding change: c.545-13A>G on transcript NM_005591.4 (MANE Select); 13 bases into the intron before coding-DNA position 545, A replaced by G.
Molecular consequence: intron variant.
Genome position (GRCh38, 1-based): chr11:94,476,416, T>C on the plus strand (A>G on the coding strand, the complement: MRE11 is on the minus strand). VCF-style: chr11-94476416-T-C. GRCh37 (hg19) VCF-style: chr11-94209582-T-C.
Other names: c.545-13A>G (NM_001330347.2, NM_005590.4).
Identifiers: ClinVar variation 306494 (VCV000306494.8), dbSNP rs370306271, ClinGen allele CA6235360.